The following is an entry in ClinVar:

NM_015450.3(POT1):c.989A>G (p.Gln330Arg)

Gene: POT1 (protection of telomeres 1; minus strand). Cytogenetic location: 7q31.33.
Variant type: single nucleotide variant.
Coding change: c.989A>G on transcript NM_015450.3 (MANE Select); coding-DNA position 989, A replaced by G.
Protein change: p.Gln330Arg; replaces glutamine 330 with arginine.
Molecular consequence: missense variant. On other transcripts: non-coding transcript variant (3).
Genome position (GRCh38, 1-based): chr7:124,846,959, T>C on the plus strand (A>G on the coding strand, the complement: POT1 is on the minus strand). VCF-style: chr7-124846959-T-C. GRCh37 (hg19) VCF-style: chr7-124487013-T-C.
Other names: c.596A>G, p.Gln199Arg (NM_001042594.2); short protein forms Q199R, Q330R.
Identifiers: ClinVar variation 1470186 (VCV001470186.12), dbSNP rs2116483950, ClinGen allele CA369053728.
Genomic context (GRCh38, chr7:124,846,959, plus strand): 5'-TGCTCATTACTGTGCCCATCTCAAAAATGATACATAGTCTTACTTGTAGCAGATAGCTGT[T>C]GACATCTTTCTACCTCGTATAATGATACTGATCCAGAGCCTATAAAAAGGAAAAGGCAAA-3'
Protein context (NP_056265.2, residues 320-340): SVSLYEVERC[Gln330Arg]QLSATILTDH

ClinVar aggregate classification (germline): Uncertain significance. Review status: criteria provided, multiple submitters, no conflicts (2 of 4 stars). 3 submissions from 3 submitters: Uncertain significance (3). Last evaluated 2025-10-28.

Conditions:
Tumor predisposition syndrome 3 (TPDS3). Also called: Melanoma, cutaneous malignant, susceptibility to, 10; LONG TELOMERE SYNDROME, POT1-RELATED; POT1 Tumor Predisposition; Glioma susceptibility 9. Identifiers: Orphanet 618, MedGen C4014476, MONDO:0014368, OMIM 615848.
Hereditary cancer-predisposing syndrome. Also called: Tumor predisposition; Neoplastic Syndromes, Hereditary; Hereditary Cancer Syndrome; Hereditary neoplastic syndrome. Identifiers: Orphanet 140162, MedGen C0027672, MeSH D009386, MONDO:0015356.

Allele frequency attached by ClinVar (database versions not stated): gnomAD exomes below 0.00001.
gnomAD v4.1: 2 of 1,604,716 alleles (0.00012%); highest among the groups gnomAD compares: Non-Finnish European, 0.00017%; no homozygotes.

Submissions (3):

Ambry Genetics
Classification: Uncertain significance for Hereditary cancer-predisposing syndrome. Last evaluated: 2025-10-28. Review status: criteria provided, single submitter. Criteria: Ambry Variant Classification Scheme 2023. Collection method: clinical testing. Allele origin: germline.
Comment: The p.Q330R variant (also known as c.989A>G), located in coding exon 8 of the POT1 gene, results from an A to G substitution at nucleotide position 989. The glutamine at codon 330 is replaced by arginine, an amino acid with highly similar properties. This variant was reported in individual(s) with features consistent with POT1-related tumor predisposition syndrome (Ambry internal data). This amino acid position is highly conserved in available vertebrate species. In addition, this alteration is predicted to be tolerated by in silico analysis. Based on the available evidence, the clinical significance of this variant remains unclear.

Quest Diagnostics Nichols Institute San Juan Capistrano
Classification: Uncertain significance. Last evaluated: 2024-10-21. Review status: criteria provided, single submitter. Criteria: Quest Diagnostics criteria. Collection method: clinical testing. Allele origin: unknown.
Comment: The POT1 c.989A>G (p.Gln330Arg) variant has not been reported in individuals with POT1-related conditions in the published literature. It also has not been reported in large, multi-ethnic general populations (Genome Aggregation Database). Analysis of this variant using bioinformatics tools for the prediction of the effect of amino acid changes on protein structure and function yielded conflicting predictions that this variant is benign or damaging. Based on the available information, we are unable to determine the clinical significance of this variant.

Labcorp Genetics (formerly Invitae), Labcorp
Classification: Uncertain significance for Tumor predisposition syndrome 3. Last evaluated: 2024-06-06. Review status: criteria provided, single submitter. Criteria: Invitae Variant Classification Sherloc (09022015). Collection method: clinical testing. Allele origin: germline.
Comment: This sequence change replaces glutamine, which is neutral and polar, with arginine, which is basic and polar, at codon 330 of the POT1 protein (p.Gln330Arg). This variant is not present in population databases (gnomAD no frequency). This variant has not been reported in the literature in individuals affected with POT1-related conditions. ClinVar contains an entry for this variant (Variation ID: 1470186). Advanced modeling of protein sequence and biophysical properties (such as structural, functional, and spatial information, amino acid conservation, physicochemical variation, residue mobility, and thermodynamic stability) performed at Invitae indicates that this missense variant is not expected to disrupt POT1 protein function with a negative predictive value of 80%. In summary, the available evidence is currently insufficient to determine the role of this variant in disease. Therefore, it has been classified as a Variant of Uncertain Significance.